The following is an entry in ClinVar:

ClinVar aggregate classification (germline): Benign (1 of 4 stars; one submission).

Conditions:
Familial cancer of breast. Also called: hereditary breast carcinoma; Hereditary breast cancer; BREAST CANCER, FAMILIAL. Identifiers: Orphanet 227535, MedGen C0346153, MONDO:0016419, OMIM 114480. Disease mechanism: loss of function.

Submission:

Myriad Genetics, Inc.
Classification: Benign for Familial cancer of breast. Last evaluated: 2024-09-25. Review status: criteria provided, single submitter. Criteria: Myriad Autosomal Dominant, Autosomal Recessive and X-Linked Classification Criteria (2023). Collection method: clinical testing. Allele origin: unknown.
Comment: This variant is considered benign. This variant occurs in the non-coding 3' untranslated region of the gene, and is not expected to impact protein function.

NM_000465.4(BARD1):c.*1A>G

Gene: BARD1 (BRCA1 associated RING domain 1; minus strand). Cytogenetic location: 2q35.
Variant type: single nucleotide variant.
Coding change: c.*1A>G on transcript NM_000465.4 (MANE Select); 1 bases downstream of the stop codon, A replaced by G.
Molecular consequence: 3 prime UTR variant. On other transcripts: non-coding transcript variant (3).
Genome position (GRCh38, 1-based): chr2:214,728,675, T>C on the plus strand (A>G on the coding strand, the complement: BARD1 is on the minus strand). VCF-style: chr2-214728675-T-C. GRCh37 (hg19) VCF-style: chr2-215593399-T-C.
Other names: c.*1A>G (NM_001282543.2, NM_001282545.2, NM_001282548.2 and 1 more transcripts).
Identifiers: ClinVar variation 3378615 (VCV003378615.1).